The following is an entry in ClinVar:

NM_001165963.4(SCN1A):c.1202T>C (p.Ile401Thr)

Gene: SCN1A (sodium voltage-gated channel alpha subunit 1; minus strand). Cytogenetic location: 2q24.3.
Variant type: single nucleotide variant.
Coding change: c.1202T>C on transcript NM_001165963.4 (MANE Select); coding-DNA position 1202, T replaced by C.
Protein change: p.Ile401Thr; replaces isoleucine 401 with threonine.
Molecular consequence: missense variant. On other transcripts: 5 prime UTR variant (1), non-coding transcript variant (1).
Genome position (GRCh38, 1-based): chr2:166,046,945, A>G on the plus strand (T>C on the coding strand, the complement: SCN1A is on the minus strand). VCF-style: chr2-166046945-A-G. GRCh37 (hg19) VCF-style: chr2-166903455-A-G.
Other names: c.1202T>C, p.Ile401Thr (NM_001202435.3, NM_001353948.2, NM_001353949.2 and 10 more transcripts); c.-1224T>C (NM_001353961.2); short protein forms I401T.
Identifiers: ClinVar variation 3898719 (VCV003898719.7).

ClinVar aggregate classification (germline): Uncertain significance (1 of 4 stars; one submission).

Submission:

CeGaT Center for Human Genetics Tuebingen
Classification: Uncertain significance. Last evaluated: 2026-02-01. Review status: criteria provided, single submitter. Criteria: CeGaT Center For Human Genetics Tuebingen Variant Classification Criteria Version 2. Collection method: clinical testing. Allele origin: germline. Affected: yes. Observed: 1 variant allele.
Comment: SCN1A: PM2, PP2, PP3